The following is an entry in ClinVar:

ClinVar aggregate classification (germline): Conflicting classifications of pathogenicity. Review status: criteria provided, conflicting classifications (1 of 4 stars). 8 submissions from 8 submitters: Uncertain significance (1); Benign (2); Likely benign (5). Last evaluated 2026-01-19.

Conditions:
TTN-related disorder. Also called: TTN-related disorders; TTN-related condition; TTN-related disease.
Cardiovascular phenotype. Identifiers: MedGen CN230736.
Dilated cardiomyopathy 1G (CMD1G). Identifiers: Orphanet 154, MedGen C1858763, MONDO:0011400, OMIM 604145.
Autosomal recessive limb-girdle muscular dystrophy type 2J (LGMDR10). Also called: Limb-girdle muscular dystrophy, type 2J; MUSCULAR DYSTROPHY, LIMB-GIRDLE, AUTOSOMAL RECESSIVE 10. Identifiers: Orphanet 140922, MedGen C1837342, MONDO:0012127, OMIM 608807.

Allele frequency attached by ClinVar (database versions not stated): ExAC 0.00007; gnomAD 0.00030 and 0.00031; 1000 Genomes Project 0.00080; 1000 Genomes Project 30x 0.00094; TOPMed 0.00027; ESP Exome Variant Server 0.00008.
gnomAD v4.1: 97 of 1,613,702 alleles (0.006%); highest among the groups gnomAD compares: African/African-American, 0.091%; no homozygotes.

Submissions (8):

Labcorp Genetics (formerly Invitae), Labcorp
Classification: Likely benign for Dilated cardiomyopathy 1G; Autosomal recessive limb-girdle muscular dystrophy type 2J. Last evaluated: 2026-01-19. Review status: criteria provided, single submitter. Criteria: Invitae Variant Classification Sherloc (09022015). Collection method: clinical testing. Allele origin: germline.

Mayo Clinic Laboratories, Mayo Clinic
Classification: Likely benign. Last evaluated: 2025-03-26. Review status: criteria provided, single submitter. Criteria: ACMG Guidelines, 2015. Collection method: clinical testing. Allele origin: germline. Observed: 2 variant alleles.
Comment: BP4, BP7

PreventionGenetics, part of Exact Sciences
Classification: Likely benign for TTN-related condition. Last evaluated: 2025-03-21. Review status: criteria provided, single submitter. Criteria: ACMG Guidelines, 2015. Collection method: clinical testing. Allele origin: germline.
Comment: This variant is classified as likely benign based on ACMG/AMP sequence variant interpretation guidelines (Richards et al. 2015 PMID: 25741868, with internal and published modifications).

CeGaT Center for Human Genetics Tuebingen
Classification: Likely benign. Last evaluated: 2025-03-01. Review status: criteria provided, single submitter. Criteria: CeGaT Center For Human Genetics Tuebingen Variant Classification Criteria Version 2. Collection method: clinical testing. Allele origin: germline. Affected: yes. Observed: 1 variant allele.
Comment: TTN: BP4, BP7

Athena Diagnostics
Classification: Benign. Last evaluated: 2021-04-27. Review status: criteria provided, single submitter. Criteria: Athena Diagnostics criteria. Collection method: clinical testing. Allele origin: unknown.

Eurofins Ntd Llc (ga)
Classification: Uncertain significance. Last evaluated: 2017-05-04. Review status: criteria provided, single submitter. Criteria: EGL Classification Definitions 2015. Collection method: clinical testing. Allele origin: germline. Observed: 1 variant allele, 1 heterozygote.

GeneDx
Classification: Benign. Last evaluated: 2013-12-16. Review status: criteria provided, single submitter. Criteria: GeneDx Variant Classification (06012015). Collection method: clinical testing. Allele origin: germline. Affected: yes.
Comment: This variant is considered likely benign or benign based on one or more of the following criteria: it is a conservative change, it occurs at a poorly conserved position in the protein, it is predicted to be benign by multiple in silico algorithms, and/or has population frequency not consistent with disease.

Ambry Genetics
Classification: Likely benign for Cardiovascular phenotype. Last evaluated: 2013-03-05. Review status: criteria provided, single submitter. Criteria: Ambry Autosomal Dominant and X-Linked criteria (10/2015). Collection method: clinical testing. Allele origin: germline. Observed: 1 variant allele.

NM_001267550.2(TTN):c.26019C>T (p.His8673=)

Gene: TTN (titin; minus strand). Cytogenetic location: 2q31.2.
Variant type: single nucleotide variant.
Coding change: c.26019C>T on transcript NM_001267550.2 (MANE Select); coding-DNA position 26019, C replaced by T.
Protein change: p.His8673=; no amino-acid change (histidine 8673 retained).
Molecular consequence: synonymous variant. On other transcripts: intron variant (3).
Genome position (GRCh38, 1-based): chr2:178,715,167, G>A on the plus strand (C>T on the coding strand, the complement: TTN is on the minus strand). VCF-style: chr2-178715167-G-A. GRCh37 (hg19) VCF-style: chr2-179579894-G-A.
Other names: p.H8356H:CAC>CAT; p.His7429=; c.25068C>T, p.His8356= (NM_001256850.1); c.22287C>T, p.His7429= (NM_133378.4); c.13282+22915C>T (NM_003319.4); c.13858+22915C>T (NM_133437.4); c.13657+22915C>T (NM_133432.3).
Identifiers: ClinVar variation 137846 (VCV000137846.50), dbSNP rs370266918, ClinGen allele CA291535.